The following is an entry in ClinVar:

ClinVar aggregate classification (germline): Likely pathogenic (1 of 4 stars; one submission).

Conditions:
Methylmalonic aciduria and homocystinuria type cblF. Also called: METHYLMALONIC ACIDEMIA AND HOMOCYSTINURIA, cblF TYPE; METHYLMALONIC ACIDURIA DUE TO VITAMIN B12-RELEASE DEFECT; VITAMIN B12 LYSOSOMAL RELEASE DEFECT; VITAMIN B12 STORAGE DISEASE; COBALAMIN F DISEASE; COBALAMIN, DEFECT IN LYSOSOMAL RELEASE OF. Identifiers: Orphanet 79284, MedGen C1848578, MONDO:0010183, OMIM 277380.

gnomAD v4.1: 1 of 1,558,672 alleles (0.000064%); highest among the groups gnomAD compares: South Asian, 0.0011%; no homozygotes.

Submission:

First Genomix Gene Laboratory, Genetic Diagnostics Department
Classification: Likely pathogenic for Methylmalonic aciduria and homocystinuria type cblF. Last evaluated: 2025-07-09. Review status: criteria provided, single submitter. Criteria: ACMG Guidelines, 2015. Collection method: clinical testing. Allele origin: germline. Inheritance: Autosomal recessive inheritance. Affected: no. Observed: 1 variant allele.

NM_018368.4(LMBRD1):c.474-1G>A

Gene: LMBRD1 (LMBR1 domain containing 1; minus strand). Cytogenetic location: 6q13.
Variant type: single nucleotide variant.
Coding change: c.474-1G>A on transcript NM_018368.4 (MANE Select); the canonical splice acceptor site of the intron before coding-DNA position 474, G replaced by A.
Molecular consequence: splice acceptor variant.
Genome position (GRCh38, 1-based): chr6:69,741,878, C>T on the plus strand (G>A on the coding strand, the complement: LMBRD1 is on the minus strand). VCF-style: chr6-69741878-C-T. GRCh37 (hg19) VCF-style: chr6-70451770-C-T.
Other names: c.255-1G>A (NM_001367272.1, NM_001367271.1, NM_001363722.2).
Identifiers: ClinVar variation 4849326 (VCV004849326.1).